The following is an entry in ClinVar:

ClinVar aggregate classification (germline): Conflicting classifications of pathogenicity. Review status: criteria provided, conflicting classifications (1 of 4 stars). 4 submissions from 4 submitters: Uncertain significance (2); Likely benign (2). Last evaluated 2026-03-11.

Conditions:
Familial adenomatous polyposis 1 (FAP1). Also called: FAMILIAL ADENOMATOUS POLYPOSIS 1, ATTENUATED; POLYPOSIS, ADENOMATOUS INTESTINAL. Identifiers: MedGen C2713442, MONDO:0021056, OMIM 175100. Disease mechanism: loss of function.
Hereditary cancer-predisposing syndrome. Also called: Neoplastic Syndromes, Hereditary; Tumor predisposition; Hereditary neoplastic syndrome; Hereditary Cancer Syndrome. Identifiers: Orphanet 140162, MedGen C0027672, MeSH D009386, MONDO:0015356.
Attenuated familial adenomatous polyposis (AFAP). Also called: Attenuated FAP. Identifiers: Orphanet 220460, MedGen C2674616, MONDO:0016362.

Allele frequency attached by ClinVar (database versions not stated): gnomAD exomes below 0.00001; ExAC 0.00001.
gnomAD v4.1: 2 of 1,614,188 alleles (0.00012%); highest among the groups gnomAD compares: Admixed American, 0.0033%; no homozygotes.

Submissions (4):

Ambry Genetics
Classification: Uncertain significance for Hereditary cancer-predisposing syndrome. Last evaluated: 2026-03-11. Review status: criteria provided, single submitter. Criteria: Ambry Variant Classification Scheme 2023. Collection method: clinical testing. Allele origin: germline.

Labcorp Genetics (formerly Invitae), Labcorp
Classification: Likely benign for Familial adenomatous polyposis 1. Last evaluated: 2026-01-19. Review status: criteria provided, single submitter. Criteria: Invitae Variant Classification Sherloc (09022015). Collection method: clinical testing. Allele origin: germline.

Color Diagnostics, LLC DBA Color Health
Classification: Likely benign for Hereditary cancer-predisposing syndrome. Last evaluated: 2024-09-23. Review status: criteria provided, single submitter. Criteria: ACMG Guidelines, 2015. Collection method: clinical testing. Allele origin: germline.

Baylor Genetics
Classification: Uncertain significance for Familial adenomatous polyposis 1. Last evaluated: 2024-02-05. Review status: criteria provided, single submitter. Criteria: ACMG Guidelines, 2015. Collection method: clinical testing. Allele origin: unknown.

NM_000038.6(APC):c.3629A>T (p.His1210Leu)

Gene: APC (APC regulator of Wnt signaling pathway; plus strand). Cytogenetic location: 5q22.2.
Variant type: single nucleotide variant.
Coding change: c.3629A>T on transcript NM_000038.6 (MANE Select); coding-DNA position 3629, A replaced by T.
Protein change: p.His1210Leu; replaces histidine 1210 with leucine.
Molecular consequence: missense variant.
Genome position (GRCh38, 1-based): chr5:112,839,223, A>T. VCF-style: chr5-112839223-A-T. GRCh37 (hg19) VCF-style: chr5-112174920-A-T.
Other names: c.3629A>T, p.His1210Leu (NM_001127510.3, NM_001354895.2); c.3575A>T, p.His1192Leu (NM_001127511.3); c.3683A>T, p.His1228Leu (NM_001354896.2); c.3659A>T, p.His1220Leu (NM_001354897.2); c.3554A>T, p.His1185Leu (NM_001354898.2); c.3545A>T, p.His1182Leu (NM_001354899.2); c.3506A>T, p.His1169Leu (NM_001354900.2); c.3452A>T, p.His1151Leu (NM_001354901.2); and 5 more; short protein forms H1192L, H1210L, H1109L, H1151L, H1169L, H1182L, H1220L, H1084L.
Identifiers: ClinVar variation 469929 (VCV000469929.25), dbSNP rs756346998, ClinGen allele CA035977.
Genomic context (GRCh38, chr5:112,839,223, plus strand): 5'-CACAGAAACAGTCATTTTCATTCTCAAAGAGTTCATCTGGACAAAGCAGTAAAACCGAAC[A>T]TATGTCTTCAAGCAGTGAGAATACGTCCACACCTTCATCTAATGCCAAGAGGCAGAATCA-3'
Protein context (NP_000029.2, residues 1200-1220): SSSGQSSKTE[His1210Leu]MSSSSENTST